The following is an entry in ClinVar:

ClinVar aggregate classification (germline): Uncertain significance (1 of 4 stars; one submission).

Conditions:
Atypical hemolytic-uremic syndrome. Identifiers: Orphanet 2134, MedGen C2931788, MONDO:0016244.
Mesangiocapillary glomerulonephritis. Also called: Membranoproliferative glomerulonephritis. Identifiers: MedGen C0017662, MONDO:0002461, HP:0000793.

Submission:

Genomenon, Inc
Classification: Uncertain significance for Primary membranoproliferative glomerulonephritis. Last evaluated: 2025-09-26. Review status: criteria provided, single submitter. Criteria: Genomenon Sequence Variant Interpretation Standards - Updated. Collection method: curation. Allele origin: germline. Affected: yes.
Comment: DGKE p.Gln79Pro (c.236A>C) is a missense variant that changes the amino acid at residue 79 from Glutamine to Proline. This variant has been observed in at least one proband affected with a DGKE-related disorder (PMID:32386968). It is absent or not present at a significant frequency in gnomAD. In silico models agree that this variant is possibly or probably damaging. In conclusion, we classify DGKE p.Gln79Pro (c.236A>C) as a variant of uncertain significance.

Literature cited by the submitters: PubMed 32386968.

NM_003647.3(DGKE):c.236A>C (p.Gln79Pro)

Gene: DGKE (diacylglycerol kinase epsilon; plus strand). Cytogenetic location: 17q22.
Variant type: single nucleotide variant.
Coding change: c.236A>C on transcript NM_003647.3 (MANE Select); coding-DNA position 236, A replaced by C.
Protein change: p.Gln79Pro; replaces glutamine 79 with proline.
Molecular consequence: missense variant.
Genome position (GRCh38, 1-based): chr17:56,835,031, A>C. VCF-style: chr17-56835031-A-C. GRCh37 (hg19) VCF-style: chr17-54912392-A-C.
Other names: short protein forms Q79P.
Identifiers: ClinVar variation 4280349 (VCV004280349.1).